The following is an entry in ClinVar:

NM_000038.6(APC):c.8355T>C (p.Asn2785=)

Gene: APC (APC regulator of Wnt signaling pathway; plus strand). Cytogenetic location: 5q22.2.
Variant type: single nucleotide variant.
Coding change: c.8355T>C on transcript NM_000038.6 (MANE Select); coding-DNA position 8355, T replaced by C.
Protein change: p.Asn2785=; no amino-acid change (asparagine 2785 retained).
Molecular consequence: synonymous variant. On other transcripts: non-coding transcript variant (2).
Genome position (GRCh38, 1-based): chr5:112,843,949, T>C. VCF-style: chr5-112843949-T-C. GRCh37 (hg19) VCF-style: chr5-112179646-T-C.
Other names: c.8355T>C, p.Asn2785= (NM_001127510.3, NM_001354895.2, NM_001407450.1); c.8301T>C, p.Asn2767= (NM_001127511.3); c.8409T>C, p.Asn2803= (NM_001354896.2, NM_001407447.1, NM_001407448.1 and 1 more transcripts); c.8385T>C, p.Asn2795= (NM_001354897.2); c.8280T>C, p.Asn2760= (NM_001354898.2); c.8271T>C, p.Asn2757= (NM_001354899.2); c.8232T>C, p.Asn2744= (NM_001354900.2); c.8178T>C, p.Asn2726= (NM_001354901.2, NM_001407453.1); and 11 more.
Identifiers: ClinVar variation 3254149 (VCV003254149.1), dbSNP rs2150003843.
Genomic context (GRCh38, chr5:112,843,949, plus strand): 5'-CAGCTCAAGCAAACACAGTTCACCTAGTGGGACTGTTGCTGCCAGAGTGACTCCTTTTAA[T>C]TACAACCCAAGCCCTAGGAAAAGCAGCGCAGATAGCACTTCAGCTCGGCCATCTCAGATC-3'
Protein context (NP_000029.2, residues 2775-2795): GTVAARVTPF[Asn2785=]YNPSPRKSSA

ClinVar aggregate classification (germline): Benign (1 of 4 stars; one submission).

Conditions:
Familial adenomatous polyposis 1 (FAP1). Also called: FAMILIAL ADENOMATOUS POLYPOSIS 1, ATTENUATED; POLYPOSIS, ADENOMATOUS INTESTINAL. Identifiers: MedGen C2713442, MONDO:0021056, OMIM 175100. Disease mechanism: loss of function.

Submission:

Myriad Genetics, Inc.
Classification: Benign for Familial adenomatous polyposis 1. Last evaluated: 2024-04-15. Review status: criteria provided, single submitter. Criteria: Myriad Autosomal Dominant, Autosomal Recessive and X-Linked Classification Criteria (2023). Collection method: clinical testing. Allele origin: unknown.
Comment: This variant is considered benign. This variant is a silent/synonymous amino acid change and it is not expected to impact splicing.